The following is an entry in ClinVar:

NM_152393.4(KLHL40):c.447C>T (p.Ala149=)

Gene: KLHL40 (kelch like family member 40; plus strand). Cytogenetic location: 3p22.1.
Variant type: single nucleotide variant.
Coding change: c.447C>T on transcript NM_152393.4 (MANE Select); coding-DNA position 447, C replaced by T.
Protein change: p.Ala149=; no amino-acid change (alanine 149 retained).
Molecular consequence: synonymous variant.
Genome position (GRCh38, 1-based): chr3:42,686,065, C>T. VCF-style: chr3-42686065-C-T. GRCh37 (hg19) VCF-style: chr3-42727557-C-T.
Identifiers: ClinVar variation 447662 (VCV000447662.14), dbSNP rs138852341, ClinGen allele CA2336657.

ClinVar aggregate classification (germline): Benign/Likely benign. Review status: criteria provided, multiple submitters, no conflicts (2 of 4 stars). 4 submissions from 4 submitters: Benign (2); Likely benign (1). 1 of the submissions does not count toward it. Last evaluated 2026-01-04.

Conditions:
KLHL40-related disorder. Also called: KLHL40-related condition.
Nemaline myopathy 8 (NEM8). Also called: Nemaline myopathy 8, autosomal recessive. Identifiers: Orphanet 171430, MedGen C3809209, MONDO:0014138, OMIM 615348.

Allele frequency attached by ClinVar (database versions not stated): gnomAD exomes 0.00021; ExAC 0.00028; gnomAD 0.00071 and 0.00074; TOPMed 0.00084; 1000 Genomes Project 0.00100; ESP Exome Variant Server 0.00115; 1000 Genomes Project 30x 0.00141.
gnomAD v4.1: 231 of 1,604,554 alleles (0.014%); highest among the groups gnomAD compares: African/African-American, 0.27%; 1 homozygote.

Submissions (4):

Labcorp Genetics (formerly Invitae), Labcorp
Classification: Benign for Nemaline myopathy 8. Last evaluated: 2026-01-04. Review status: criteria provided, single submitter. Criteria: Invitae Variant Classification Sherloc (09022015). Collection method: clinical testing. Allele origin: germline.

Athena Diagnostics
Classification: Benign. Last evaluated: 2018-10-31. Review status: criteria provided, single submitter. Criteria: Athena Diagnostics Criteria. Collection method: clinical testing. Allele origin: germline.

GeneDx
Classification: Likely benign. Last evaluated: 2017-03-23. Review status: criteria provided, single submitter. Criteria: GeneDx Variant Classification (06012015). Collection method: clinical testing. Allele origin: germline. Affected: yes.
Comment: This variant is considered likely benign or benign based on one or more of the following criteria: it is a conservative change, it occurs at a poorly conserved position in the protein, it is predicted to be benign by multiple in silico algorithms, and/or has population frequency not consistent with disease.

PreventionGenetics, part of Exact Sciences
Classification: Likely benign for KLHL40-related condition. Last evaluated: 2019-08-01. Review status: no assertion criteria provided. Collection method: clinical testing. Allele origin: germline. Not counted in ClinVar's aggregate classification.
Comment: This variant is classified as likely benign based on ACMG/AMP sequence variant interpretation guidelines (Richards et al. 2015 PMID: 25741868, with internal and published modifications).